The following is an entry in ClinVar:

NM_003000.3(SDHB):c.505C>T (p.Gln169Ter)

Gene: SDHB (succinate dehydrogenase complex iron sulfur subunit B; minus strand). Cytogenetic location: 1p36.13.
Variant type: single nucleotide variant.
Coding change: c.505C>T on transcript NM_003000.3 (MANE Select); coding-DNA position 505, C replaced by T.
Protein change: p.Gln169Ter; replaces glutamine 169 with a stop codon.
Molecular consequence: nonsense.
Genome position (GRCh38, 1-based): chr1:17,027,784, G>A on the plus strand (C>T on the coding strand, the complement: SDHB is on the minus strand). VCF-style: chr1-17027784-G-A. GRCh37 (hg19) VCF-style: chr1-17354279-G-A.
Other names: short protein forms Q169*.
Identifiers: ClinVar variation 528736 (VCV000528736.9), dbSNP rs1553177676, ClinGen allele CA16602226.

ClinVar aggregate classification (germline): Pathogenic. Review status: criteria provided, multiple submitters, no conflicts (2 of 4 stars). 4 submissions from 4 submitters: Pathogenic (4). Last evaluated 2025-06-30.

Conditions:
Pheochromocytoma/paraganglioma syndrome 4. Also called: SDHB-Related Hereditary Paraganglioma-Pheochromocytoma Syndrome; PARAGANGLIOMA, FAMILIAL MALIGNANT; PARAGANGLIOMAS, HEREDITARY EXTRAADRENAL; PHEOCHROMOCYTOMA, FAMILIAL EXTRAADRENAL; Paragangliomas 4; CAROTID BODY TUMORS AND MULTIPLE EXTRAADRENAL PHEOCHROMOCYTOMAS. Identifiers: Orphanet 29072, MedGen C1861848, MONDO:0007273, OMIM 115310.
Pheochromocytoma. Also called: MAX-Related Hereditary Paraganglioma-Pheochromocytoma Syndrome. Identifiers: Orphanet 29072, MedGen C0031511, MONDO:0008233, OMIM 171300, HP:0002666.
Gastrointestinal stromal tumor. Also called: Gastrointestinal stromal tumor, somatic; Gastrointestinal stroma tumor. Identifiers: Orphanet 44890, MedGen C0238198, MeSH D046152, MONDO:0011719, OMIM 606764, HP:0100723.
Hereditary cancer-predisposing syndrome. Also called: Hereditary neoplastic syndrome; Neoplastic Syndromes, Hereditary; Hereditary Cancer Syndrome; Tumor predisposition. Identifiers: Orphanet 140162, MedGen C0027672, MeSH D009386, MONDO:0015356.
Hereditary pheochromocytoma and paraganglioma. Also called: Hereditary pheochromocytoma-paraganglioma; Hereditary Paraganglioma-Pheochromocytoma Syndromes; Hereditary paragangliomas and pheochromocytomas. Identifiers: Orphanet 29072, MedGen C4274332, MONDO:0017366.

gnomAD v4.1: 1 of 1,611,592 alleles (0.000062%); highest among the groups gnomAD compares: Non-Finnish European, 0.000085%; no homozygotes.

Submissions (4):

Color Diagnostics, LLC DBA Color Health
Classification: Pathogenic for Hereditary pheochromocytoma and paraganglioma. Last evaluated: 2025-06-30. Review status: criteria provided, single submitter. Criteria: ACMG Guidelines, 2015. Collection method: clinical testing. Allele origin: germline.
Comment: This variant changes 1 nucleotide in exon 5 of the SDHB gene, creating a premature translation stop signal. This variant is expected to result in an absent or non-functional protein product. This variant has been reported in an individual with paraganglioma-pheochromocytoma syndrome (PMID: 22517557) and in an individual with renal cell carcinoma (PMID: 34949766). This variant has not been identified in the general population by the Genome Aggregation Database (gnomAD). Loss of SDHB function is a known mechanism of disease. Based on the available evidence, this variant is classified as Pathogenic.

Ambry Genetics
Classification: Pathogenic for Hereditary cancer-predisposing syndrome. Last evaluated: 2024-08-23. Review status: criteria provided, single submitter. Criteria: Ambry Variant Classification Scheme 2023. Collection method: clinical testing. Allele origin: germline.
Comment: The p.Q169* pathogenic mutation (also known as c.505C>T), located in coding exon 5 of the SDHB gene, results from a C to T substitution at nucleotide position 505. This changes the amino acid from a glutamine to a stop codon within coding exon 5. This variant was reported in multiple individuals with features consistent with SDHB-related paraganglioma-pheochromocytoma syndrome (Buffet A et al. Horm Metab Res, 2012 May;44:359-66; Fuchs TL et al. Mod Pathol, 2022 Jun;35:836-849). This variant is considered to be rare based on population cohorts in the Genome Aggregation Database (gnomAD). In addition to the clinical data presented in the literature, this alteration is expected to result in loss of function by premature protein truncation or nonsense-mediated mRNA decay. As such, this alteration is interpreted as a disease-causing mutation.

Myriad Genetics, Inc.
Classification: Pathogenic for Pheochromocytoma/paraganglioma syndrome 4. Last evaluated: 2023-09-13. Review status: criteria provided, single submitter. Criteria: Myriad Autosomal Dominant, Autosomal Recessive and X-Linked Classification Criteria (2023). Collection method: clinical testing. Allele origin: unknown.
Comment: This variant is considered pathogenic. This variant creates a termination codon and is predicted to result in premature protein truncation.

Labcorp Genetics (formerly Invitae), Labcorp
Classification: Pathogenic for Gastrointestinal stromal tumor; Pheochromocytoma/paraganglioma syndrome 4; Pheochromocytoma. Last evaluated: 2020-03-10. Review status: criteria provided, single submitter. Criteria: Invitae Variant Classification Sherloc (09022015). Collection method: clinical testing. Allele origin: germline.
Comment: Loss-of-function variants in SDHB are known to be pathogenic (PMID: 19454582, 19802898). This variant has not been reported in the literature in individuals with SDHB-related conditions. ClinVar contains an entry for this variant (Variation ID: 528736). This variant is not present in population databases (ExAC no frequency). This sequence change creates a premature translational stop signal (p.Gln169*) in the SDHB gene. It is expected to result in an absent or disrupted protein product. For these reasons, this variant has been classified as Pathogenic.

Literature cited by the submitters: PubMed 22517557 (cited by Color Diagnostics, LLC DBA Color Health and Ambry Genetics); PubMed 34949766 (cited by Color Diagnostics, LLC DBA Color Health and Ambry Genetics); PubMed 19454582 (cited by Labcorp Genetics (formerly Invitae), Labcorp); PubMed 19802898 (cited by Labcorp Genetics (formerly Invitae), Labcorp).